The following is an entry in ClinVar:

ClinVar aggregate classification (germline): Uncertain significance. Review status: criteria provided, multiple submitters, no conflicts (2 of 4 stars). 2 submissions from 2 submitters: Uncertain significance (2). Last evaluated 2025-08-18.

Conditions:
Cardiomyopathy (CMYO). Also called: Cardiomyopathies. Identifiers: Orphanet 167848, MedGen C0878544, MONDO:0004994, HP:0001638. Inheritance: Various modes of inheritance.
Arrhythmogenic right ventricular dysplasia 9 (ARVD9). Also called: Arrhythmogenic Right Ventricular Dysplasia/Cardiomyopathy 9; ARRHYTHMOGENIC RIGHT VENTRICULAR DYSPLASIA, FAMILIAL, 9. Identifiers: MedGen C1836906, MONDO:0012180, OMIM 609040.

Allele frequency attached by ClinVar (database versions not stated): gnomAD exomes below 0.00001.

Submissions (2):

Labcorp Genetics (formerly Invitae), Labcorp
Classification: Uncertain significance for Arrhythmogenic right ventricular dysplasia 9. Last evaluated: 2025-08-18. Review status: criteria provided, single submitter. Criteria: Invitae Variant Classification Sherloc (09022015). Collection method: clinical testing. Allele origin: germline.
Comment: This sequence change replaces serine, which is neutral and polar, with glycine, which is neutral and non-polar, at codon 154 of the PKP2 protein (p.Ser154Gly). This variant is not present in population databases (gnomAD no frequency). This variant has not been reported in the literature in individuals affected with PKP2-related conditions. ClinVar contains an entry for this variant (Variation ID: 939949). An algorithm developed to predict the effect of missense changes on protein structure and function (PolyPhen-2) suggests that this variant is likely to be tolerated. In summary, the available evidence is currently insufficient to determine the role of this variant in disease. Therefore, it has been classified as a Variant of Uncertain Significance.

Color Diagnostics, LLC DBA Color Health
Classification: Uncertain significance for Cardiomyopathy. Last evaluated: 2024-07-15. Review status: criteria provided, single submitter. Criteria: ACMG Guidelines, 2015. Collection method: clinical testing. Allele origin: germline.
Comment: This missense variant replaces serine with glycine at codon 154 of the PKP2 protein. Computational prediction suggests that this variant may not impact protein structure and function (internally defined REVEL score threshold <= 0.5, PMID: 27666373). To our knowledge, functional studies have not been reported for this variant. This variant has not been reported in individuals affected with PKP2-related disorders in the literature. This variant has not been identified in the general population by the Genome Aggregation Database (gnomAD). The available evidence is insufficient to determine the role of this variant in disease conclusively. Therefore, this variant is classified as a Variant of Uncertain Significance.

NM_001005242.3(PKP2):c.460A>G (p.Ser154Gly)

Gene: PKP2 (plakophilin 2; minus strand). Cytogenetic location: 12p11.21.
Variant type: single nucleotide variant.
Coding change: c.460A>G on transcript NM_001005242.3 (MANE Select); coding-DNA position 460, A replaced by G.
Protein change: p.Ser154Gly; replaces serine 154 with glycine.
Molecular consequence: missense variant.
Genome position (GRCh38, 1-based): chr12:32,878,420, T>C on the plus strand (A>G on the coding strand, the complement: PKP2 is on the minus strand). VCF-style: chr12-32878420-T-C. GRCh37 (hg19) VCF-style: chr12-33031354-T-C.
Other names: c.460A>G, p.Ser154Gly (NM_004572.4); short protein forms S154G.
Identifiers: ClinVar variation 939949 (VCV000939949.10), dbSNP rs1956955101, ClinGen allele CA384365165.